The following is an entry in ClinVar:

ClinVar aggregate classification (germline): Uncertain significance. Review status: criteria provided, multiple submitters, no conflicts (2 of 4 stars). 2 submissions from 2 submitters: Uncertain significance (2). Last evaluated 2024-11-01.

Conditions:
X-linked myopathy with postural muscle atrophy. Also called: FHL1-Related Emery-Dreifuss Muscular Dystrophy, X-Linked. Identifiers: Orphanet 178461, MedGen C2678055, MONDO:0010401, OMIM 300696.

Submissions (2):

GeneDx
Classification: Uncertain significance. Last evaluated: 2024-11-01. Review status: criteria provided, single submitter. Criteria: GeneDx Variant Classification Process June 2021. Collection method: clinical testing. Allele origin: germline. Affected: yes.
Comment: Not observed at significant frequency in large population cohorts (gnomAD); In silico analysis supports that this missense variant has a deleterious effect on protein structure/function; This variant is associated with the following publications: (PMID: 22923418, 19687455, 22172421, 32815737)

Labcorp Genetics (formerly Invitae), Labcorp
Classification: Uncertain significance for X-linked myopathy with postural muscle atrophy. Last evaluated: 2024-06-07. Review status: criteria provided, single submitter. Criteria: Invitae Variant Classification Sherloc (09022015). Collection method: clinical testing. Allele origin: germline.
Comment: This sequence change replaces histidine, which is basic and polar, with tyrosine, which is neutral and polar, at codon 246 of the FHL1 protein (p.His246Tyr). This variant is not present in population databases (gnomAD no frequency). This missense change has been observed in individual(s) with clinical features of X-linked Emery-Dreifuss muscular dystrophy and/or hypertrophic cardiomyopathy (PMID: 19687455, 32815737). ClinVar contains an entry for this variant (Variation ID: 573991). An algorithm developed to predict the effect of missense changes on protein structure and function (PolyPhen-2) suggests that this variant is likely to be disruptive. In summary, the available evidence is currently insufficient to determine the role of this variant in disease. Therefore, it has been classified as a Variant of Uncertain Significance.

Literature cited by the submitters: PubMed 19687455 (cited by Labcorp Genetics (formerly Invitae), Labcorp); PubMed 32815737 (cited by Labcorp Genetics (formerly Invitae), Labcorp).

NM_001159699.2(FHL1):c.784C>T (p.His262Tyr)

Gene: FHL1 (four and a half LIM domains 1; plus strand). Cytogenetic location: Xq26.3.
Variant type: single nucleotide variant.
Coding change: c.784C>T on transcript NM_001159699.2 (MANE Select); coding-DNA position 784, C replaced by T.
Protein change: p.His262Tyr; replaces histidine 262 with tyrosine.
Molecular consequence: missense variant. On other transcripts: synonymous variant (6), non-coding transcript variant (1).
Genome position (GRCh38, 1-based): chrX:136,209,918, C>T. VCF-style: chrX-136209918-C-T. GRCh37 (hg19) VCF-style: chrX-135292077-C-T.
Other names: c.736C>T, p.His246Tyr (NM_001159700.2, NM_001159704.1, NM_001167819.1 and 4 more transcripts); c.823C>T, p.His275Tyr (NM_001159701.2); c.936C>T, p.Gly312= (NM_001159702.3, NM_001369326.1, NM_001369327.2 and 1 more transcripts); c.549C>T, p.Gly183= (NM_001159703.2); c.597C>T, p.Gly199= (NM_001330659.2); short protein forms H246Y, H262Y, H275Y.
Identifiers: ClinVar variation 573991 (VCV000573991.9), dbSNP rs1569530811, ClinGen allele CA414609712.